The following is an entry in ClinVar:

NM_005908.4(MANBA):c.445T>G (p.Leu149Val)

Gene: MANBA (mannosidase beta; minus strand). Cytogenetic location: 4q24.
Variant type: single nucleotide variant.
Coding change: c.445T>G on transcript NM_005908.4 (MANE Select); coding-DNA position 445, T replaced by G.
Protein change: p.Leu149Val; replaces leucine 149 with valine.
Molecular consequence: missense variant.
Genome position (GRCh38, 1-based): chr4:102,722,975, A>C on the plus strand (T>G on the coding strand, the complement: MANBA is on the minus strand). VCF-style: chr4-102722975-A-C. GRCh37 (hg19) VCF-style: chr4-103644132-A-C.
Other names: short protein forms L149V.
Identifiers: ClinVar variation 3907294 (VCV003907294.1).

ClinVar aggregate classification (germline): Uncertain significance (1 of 4 stars; one submission).

gnomAD v4.1: 12 of 1,614,100 alleles (0.00074%); highest among the groups gnomAD compares: Admixed American, 0.0017%; no homozygotes.

Submission:

Women's Health and Genetics/Laboratory Corporation of America, LabCorp
Classification: Uncertain significance. Last evaluated: 2025-06-09. Review status: criteria provided, single submitter. Criteria: LabCorp Variant Classification Summary - May 2015. Collection method: clinical testing. Allele origin: germline.
Comment: Variant summary: MANBA c.445T>G (p.Leu149Val) results in a conservative amino acid change in the encoded protein sequence. Algorithms developed to predict the effect of missense changes on protein structure and function all suggest that this variant is likely to be tolerated. The variant allele was found at a frequency of 8e-06 in 251382 control chromosomes. The available data on variant occurrences in the general population are insufficient to allow any conclusion about variant significance. To our knowledge, no occurrence of c.445T>G in individuals affected with Beta-D-mannosidosis and no experimental evidence demonstrating its impact on protein function have been reported. No submitters have cited clinical-significance assessments for this variant to ClinVar. Based on the evidence outlined above, the variant was classified as uncertain significance.